The following is an entry in ClinVar:

ClinVar aggregate classification (germline): Pathogenic (1 of 4 stars; one submission).

Conditions:
Inborn genetic diseases. Identifiers: MedGen C0950123, MeSH D030342.

Submission:

Ambry Genetics
Classification: Pathogenic for Inborn genetic diseases. Last evaluated: 2024-03-22. Review status: criteria provided, single submitter. Criteria: Ambry Variant Classification Scheme 2023. Collection method: clinical testing. Allele origin: germline.
Comment: The c.4068delC (p.I1357Sfs*15) alteration, located in exon 25 (coding exon 25) of the CACNA1A gene, consists of a deletion of one nucleotide at position 4068, causing a translational frameshift with a predicted alternate stop codon after 15 amino acids. This alteration is expected to result in loss of function by premature protein truncation or nonsense-mediated mRNA decay. for episodic ataxia, type 2; however, its clinical significance for CACNA1A-related neurologic disorder is uncertain, and it is unlikely to be causative of CACNA1A-related spinocerebellar ataxia. This variant was not reported in population-based cohorts in the Genome Aggregation Database (gnomAD). Based on the available evidence, this alteration is classified as pathogenic.

NM_001127222.2(CACNA1A):c.4065del (p.Ile1356fs)

Gene: CACNA1A (calcium voltage-gated channel subunit alpha1 A; minus strand). Cytogenetic location: 19p13.13.
Variant type: Deletion.
Coding change: c.4065del on transcript NM_001127222.2 (MANE Select); coding-DNA position 4065, one base deleted (C; older notation c.4065delC).
Protein change: p.Ile1356fs; shifts the reading frame from isoleucine 1356.
Molecular consequence: frameshift variant.
Genome position (GRCh38, 1-based): chr19:13,262,758, G deleted on the plus strand (C on the coding strand, the reverse complement: CACNA1A is on the minus strand); the first of 2 consecutive G bases (chr19:13,262,758-13,262,759); deleting either gives the same sequence. VCF-style (leftmost placement, unchanged base first): chr19-13262757-TG-T. GRCh37 (hg19) VCF-style: chr19-13373571-TG-T.
Other names: c.4077del, p.Ile1360fs (NM_000068.4, NM_023035.3); c.4068del, p.Ile1357fs (NM_001127221.2, NM_001174080.2); c.4068delC (NM_001127221.1); short protein forms I1356fs, I1357fs, I1360fs.
Identifiers: ClinVar variation 3262684 (VCV003262684.1).
Genomic context (GRCh38, chr19:13,262,757, plus strand): 5'-GTCCCCCCCACCGCACCCCACCATCTCCCAATCTCACCTTGAGCTTTGGCAGCCGCTTGA[TG>T]GTTTTAAGAGGTCGTAGCACCCGGAGGACTCGGAGGGATTTAATCGTGTTGATGTCTTTT-3'